The following is an entry in ClinVar:

ClinVar aggregate classification (germline): Pathogenic. Review status: criteria provided, single submitter (1 of 4 stars). 2 submissions from 2 submitters: Pathogenic (1). 1 of the submissions does not count toward it. Last evaluated 2023-08-24.

Conditions:
Autosomal recessive nonsyndromic hearing loss 2. Also called: DEAFNESS, AUTOSOMAL RECESSIVE 2; NEUROSENSORY NONSYNDROMIC RECESSIVE DEAFNESS 2. Identifiers: Orphanet 90636, MedGen C1838701, MONDO:0010807, OMIM 600060.
Usher syndrome type 1 (USH1). Also called: RETINITIS PIGMENTOSA AND CONGENITAL DEAFNESS. Identifiers: Orphanet 231169, Orphanet 886, MedGen C1568247, MONDO:0010168, OMIM 276900.

gnomAD v4.1: 1 of 1,612,972 alleles (0.000062%); highest among the groups gnomAD compares: Non-Finnish European, 0.000085%; no homozygotes.

Submissions (2):

Labcorp Genetics (formerly Invitae), Labcorp
Classification: Pathogenic. Last evaluated: 2023-08-24. Review status: criteria provided, single submitter. Criteria: Invitae Variant Classification Sherloc (09022015). Collection method: clinical testing. Allele origin: germline.
Comment: For these reasons, this variant has been classified as Pathogenic. Algorithms developed to predict the effect of sequence changes on RNA splicing suggest that this variant may disrupt the consensus splice site. ClinVar contains an entry for this variant (Variation ID: 551617). Disruption of this splice site has been observed in individual(s) with autosomal recessive Usher syndrome (Invitae). This variant is not present in population databases (gnomAD no frequency). This sequence change affects an acceptor splice site in intron 45 of the MYO7A gene. It is expected to disrupt RNA splicing. Variants that disrupt the donor or acceptor splice site typically lead to a loss of protein function (PMID: 16199547), and loss-of-function variants in MYO7A are known to be pathogenic (PMID: 8900236, 25404053).

Counsyl
Classification: Likely pathogenic for Usher syndrome type 1; Autosomal recessive nonsyndromic hearing loss 2. Last evaluated: 2017-04-21. Review status: no assertion criteria provided. Collection method: clinical testing. Allele origin: unknown. Not counted in ClinVar's aggregate classification.

Literature cited by the submitters: PubMed 16199547 (cited by Labcorp Genetics (formerly Invitae), Labcorp); PubMed 8900236 (cited by Labcorp Genetics (formerly Invitae), Labcorp); PubMed 25404053 (cited by Labcorp Genetics (formerly Invitae), Labcorp).

NM_000260.4(MYO7A):c.6238-2A>C

Gene: MYO7A (myosin VIIA; plus strand). Cytogenetic location: 11q13.5.
Variant type: single nucleotide variant.
Coding change: c.6238-2A>C on transcript NM_000260.4 (MANE Select); the canonical splice acceptor site of the intron before coding-DNA position 6238, A replaced by C.
Molecular consequence: splice acceptor variant.
Genome position (GRCh38, 1-based): chr11:77,211,819, A>C. VCF-style: chr11-77211819-A-C. GRCh37 (hg19) VCF-style: chr11-76922864-A-C.
Other names: c.6091-2A>C (NM_001369365.1); c.6124-2A>C (NM_001127180.2).
Identifiers: ClinVar variation 551617 (VCV000551617.10), dbSNP rs1555109612, ClinGen allele CA381936422.
Genomic context (GRCh38, chr11:77,211,819, plus strand): 5'-GCCTGCCCTGAGCAGGCCTGTCCCCAGGACTGAGCCCAGCCCTGACCGCCCTGTCCCCAT[A>C]GTCCATCGTCGCCTACTTCAACAAGCACGCAGGGAAGTCCAAGGAGGAGGCCAAGCTGGC-3'